The following is an entry in ClinVar:

ClinVar aggregate classification (germline): Uncertain significance. Review status: criteria provided, multiple submitters, no conflicts (2 of 4 stars). 2 submissions from 2 submitters: Uncertain significance (2). Last evaluated 2024-09-20.

Allele frequency attached by ClinVar (database versions not stated): gnomAD 0.00002; TOPMed 0.00002; ExAC 0.00003; ESP Exome Variant Server 0.00008.
gnomAD v4.1: 25 of 1,607,084 alleles (0.0016%); highest among the groups gnomAD compares: Admixed American, 0.0051%; 1 homozygote.

Submissions (2):

Blueprint Genetics
Classification: Uncertain significance. Last evaluated: 2024-09-20. Review status: criteria provided, single submitter. Criteria: ACMG Guidelines, 2015. Collection method: clinical testing. Allele origin: germline.

Labcorp Genetics (formerly Invitae), Labcorp
Classification: Uncertain significance. Last evaluated: 2023-04-03. Review status: criteria provided, single submitter. Criteria: Invitae Variant Classification Sherloc (09022015). Collection method: clinical testing. Allele origin: germline.
Comment: In summary, the available evidence is currently insufficient to determine the role of this variant in disease. Therefore, it has been classified as a Variant of Uncertain Significance. Advanced modeling of protein sequence and biophysical properties (such as structural, functional, and spatial information, amino acid conservation, physicochemical variation, residue mobility, and thermodynamic stability) has been performed at Invitae for this missense variant, however the output from this modeling did not meet the statistical confidence thresholds required to predict the impact of this variant on MYH14 protein function. This missense change has been observed in individual(s) with nonsyndromic deafness (PMID: 34681017). This variant is present in population databases (rs368089608, gnomAD 0.006%). This sequence change replaces arginine, which is basic and polar, with cysteine, which is neutral and slightly polar, at codon 465 of the MYH14 protein (p.Arg465Cys).

Literature cited by the submitters: PubMed 34681017 (cited by Labcorp Genetics (formerly Invitae), Labcorp).

NM_001145809.2(MYH14):c.1417C>T (p.Arg473Cys)

Gene: MYH14 (myosin heavy chain 14; plus strand). Cytogenetic location: 19q13.33.
Variant type: single nucleotide variant.
Coding change: c.1417C>T on transcript NM_001145809.2 (MANE Select); coding-DNA position 1417, C replaced by T.
Protein change: p.Arg473Cys; replaces arginine 473 with cysteine.
Molecular consequence: missense variant.
Genome position (GRCh38, 1-based): chr19:50,249,074, C>T. VCF-style: chr19-50249074-C-T. GRCh37 (hg19) VCF-style: chr19-50752331-C-T.
Other names: c.1417C>T, p.Arg473Cys (NM_001077186.2); c.1393C>T, p.Arg465Cys (NM_024729.4); short protein forms R465C, R473C.
Identifiers: ClinVar variation 2964718 (VCV002964718.4), dbSNP rs368089608, ClinGen allele CA9592625.
Genomic context (GRCh38, chr19:50,249,074, plus strand): 5'-AAGGCCACCTACGAGCGCCTCTTCCGCTGGCTGGTTCTGCGCCTCAACCGGGCCTTGGAC[C>T]GCAGCCCCCGCCAAGGCGCCTCCTTCCTGGGCATCCTGGACATCGCGGGCTTTGAGATCT-3'
Protein context (NP_001139281.1, residues 463-483): LVLRLNRALD[Arg473Cys]SPRQGASFLG